The following is an entry in ClinVar:

ClinVar aggregate classification (germline): Uncertain significance (1 of 4 stars; one submission).

Conditions:
Cystic fibrosis (CF). Also called: MUCOVISCIDOSIS. Identifiers: Orphanet 586, MedGen C0010674, MONDO:0009061, OMIM 219700. Disease mechanism: loss of function.

Submission:

Ambry Genetics
Classification: Uncertain significance for Cystic fibrosis. Last evaluated: 2026-05-03. Review status: criteria provided, single submitter. Criteria: Ambry Variant Classification Scheme 2023. Collection method: clinical testing. Allele origin: germline.
Comment: The p.T757P variant (also known as c.2269A>C), located in coding exon 14 of the CFTR gene, results from an A to C substitution at nucleotide position 2269. The threonine at codon 757 is replaced by proline, an amino acid with highly similar properties. This amino acid position is conserved. In addition, the in silico prediction for this alteration is inconclusive. Based on the available evidence, the clinical significance of this variant remains unclear.

NM_000492.4(CFTR):c.2269A>C (p.Thr757Pro)

Gene: CFTR (CF transmembrane conductance regulator; plus strand). Cytogenetic location: 7q31.2.
Variant type: single nucleotide variant.
Coding change: c.2269A>C on transcript NM_000492.4 (MANE Select); coding-DNA position 2269, A replaced by C.
Protein change: p.Thr757Pro; replaces threonine 757 with proline.
Molecular consequence: missense variant.
Genome position (GRCh38, 1-based): chr7:117,592,436, A>C. VCF-style: chr7-117592436-A-C. GRCh37 (hg19) VCF-style: chr7-117232490-A-C.
Other names: short protein forms T757P.
Identifiers: ClinVar variation 4868844 (VCV004868844.1).